The following is an entry in ClinVar:

ClinVar aggregate classification (germline): Uncertain significance (1 of 4 stars; one submission).

Conditions:
Hereditary cancer-predisposing syndrome. Also called: Neoplastic Syndromes, Hereditary; Tumor predisposition; Hereditary neoplastic syndrome; Hereditary Cancer Syndrome. Identifiers: Orphanet 140162, MedGen C0027672, MeSH D009386, MONDO:0015356.

Submission:

Ambry Genetics
Classification: Uncertain significance for Hereditary cancer-predisposing syndrome. Last evaluated: 2024-05-31. Review status: criteria provided, single submitter. Criteria: Ambry Variant Classification Scheme 2023. Collection method: clinical testing. Allele origin: germline.
Comment: The p.V892F variant (also known as c.2674G>T), located in coding exon 23 of the TSC2 gene, results from a G to T substitution at nucleotide position 2674. The valine at codon 892 is replaced by phenylalanine, an amino acid with highly similar properties. This alteration was identified in 1 of 374 patients with clinically suspected TSC undergoing genetic testing within the TSC1 and TSC2 genes (Meng Y et al. J Hum Genet, 2021 Mar;66:227-236). This amino acid position is highly conserved in available vertebrate species. In addition, this alteration is predicted to be deleterious by in silico analysis. Based on the available evidence, the clinical significance of this variant remains unclear.

Literature cited by the submitters: PubMed 32917966.

NM_000548.5(TSC2):c.2674G>T (p.Val892Phe)

Gene: TSC2 (TSC complex subunit 2; plus strand). Cytogenetic location: 16p13.3.
Variant type: single nucleotide variant.
Coding change: c.2674G>T on transcript NM_000548.5 (MANE Select); coding-DNA position 2674, G replaced by T.
Protein change: p.Val892Phe; replaces valine 892 with phenylalanine.
Molecular consequence: missense variant. On other transcripts: non-coding transcript variant (5).
Genome position (GRCh38, 1-based): chr16:2,076,102, G>T. VCF-style: chr16-2076102-G-T. GRCh37 (hg19) VCF-style: chr16-2126103-G-T.
Other names: c.2212G>T, p.Val738Phe (NM_001406681.1); c.2074G>T, p.Val692Phe (NM_001406682.1, NM_001406683.1, NM_001406684.1 and 6 more transcripts); c.1330G>T, p.Val444Phe (NM_001406690.1, NM_001406691.1, NM_001406692.1 and 6 more transcripts); c.1072G>T, p.Val358Phe (NM_001406698.1); c.2674G>T, p.Val892Phe (NM_021055.3, NM_001077183.3, NM_001114382.3 and 6 more transcripts); c.2563G>T, p.Val855Phe (NM_001318827.2, NM_001406670.1, NM_001406678.1); c.2527G>T, p.Val843Phe (NM_001318829.2, NM_001406675.1, NM_001406676.1 and 1 more transcripts); c.2707G>T, p.Val903Phe (NM_001318832.2); and 3 more; short protein forms V692F, V855F, V444F, V843F, V873F, V903F, V738F, V358F.
Identifiers: ClinVar variation 3329521 (VCV003329521.1).